The following is an entry in ClinVar:

ClinVar aggregate classification (germline): Pathogenic/Likely pathogenic. Review status: criteria provided, multiple submitters, no conflicts (2 of 4 stars). 2 submissions from 2 submitters: Pathogenic (1); Likely pathogenic (1). Last evaluated 2024-12-16.

Conditions:
Hereditary spastic paraplegia 4. Also called: Familial spastic paraplegia autosomal dominant 2; Spastic paraplegia 4, autosomal dominant; Spastic Paraplegia 4. Identifiers: Orphanet 100985, MedGen C1866855, MONDO:0008438, OMIM 182601.

Submissions (2):

Palindrome, Gene Kavoshgaran Aria
Classification: Pathogenic for Hereditary spastic paraplegia 4. Last evaluated: 2024-12-16. Review status: criteria provided, single submitter. Criteria: ACMG Guidelines, 2015. Collection method: clinical testing. Allele origin: germline. Inheritance: Autosomal dominant inheritance. Affected: yes. Observed: 1 heterozygote.

Labcorp Genetics (formerly Invitae), Labcorp
Classification: Likely pathogenic for Hereditary spastic paraplegia 4. Last evaluated: 2023-12-11. Review status: criteria provided, single submitter. Criteria: Invitae Variant Classification Sherloc (09022015). Collection method: clinical testing. Allele origin: germline.
Comment: This sequence change replaces threonine, which is neutral and polar, with isoleucine, which is neutral and non-polar, at codon 486 of the SPAST protein (p.Thr486Ile). This variant is not present in population databases (gnomAD no frequency). This missense change has been observed in individuals with clinical features of hereditary spastic paraplegia (Invitae). ClinVar contains an entry for this variant (Variation ID: 578312). Advanced modeling of protein sequence and biophysical properties (such as structural, functional, and spatial information, amino acid conservation, physicochemical variation, residue mobility, and thermodynamic stability) performed at Invitae indicates that this missense variant is expected to disrupt SPAST protein function with a positive predictive value of 80%. This variant disrupts the p.Thr486 amino acid residue in SPAST. Other variant(s) that disrupt this residue have been determined to be pathogenic (PMID: 30564185; Invitae). This suggests that this residue is clinically significant, and that variants that disrupt this residue are likely to be disease-causing. In summary, the currently available evidence indicates that the variant is pathogenic, but additional data are needed to prove that conclusively. Therefore, this variant has been classified as Likely Pathogenic.

Literature cited by the submitters: PubMed 30564185 (cited by Labcorp Genetics (formerly Invitae), Labcorp).

NM_014946.4(SPAST):c.1457C>T (p.Thr486Ile)

Gene: SPAST (spastin; plus strand). Cytogenetic location: 2p22.3.
Variant type: single nucleotide variant.
Coding change: c.1457C>T on transcript NM_014946.4 (MANE Select); coding-DNA position 1457, C replaced by T.
Protein change: p.Thr486Ile; replaces threonine 486 with isoleucine.
Molecular consequence: missense variant.
Genome position (GRCh38, 1-based): chr2:32,137,152, C>T. VCF-style: chr2-32137152-C-T. GRCh37 (hg19) VCF-style: chr2-32362221-C-T.
Other names: c.1454C>T, p.Thr485Ile (NM_001363823.2); c.1358C>T, p.Thr453Ile (NM_001363875.2); c.1361C>T, p.Thr454Ile (NM_001377959.1, NM_199436.2); short protein forms T486I, T453I, T454I, T485I.
Identifiers: ClinVar variation 578312 (VCV000578312.5), dbSNP rs1558337122, ClinGen allele CA346502471.
Genomic context (GRCh38, chr2:32,137,152, plus strand): 5'-AGATTTTTTGCTTGTAGGTACAGTCTGCTGGAGATGACAGAGTACTTGTAATGGGTGCAA[C>T]TAATAGGCCACAAGAGCTTGATGAGGCTGTTCTCAGGTAGGGAGATTTATATGGAAATAC-3'
Protein context (NP_055761.2, residues 476-496): GDDRVLVMGA[Thr486Ile]NRPQELDEAV